The following is an entry in ClinVar:

ClinVar aggregate classification (germline): Likely benign. Review status: criteria provided, multiple submitters, no conflicts (2 of 4 stars). 2 submissions from 2 submitters: Likely benign (2). Last evaluated 2025-10-01.

Conditions:
Hereditary spastic paraplegia 4. Also called: Spastic Paraplegia 4; Familial spastic paraplegia autosomal dominant 2; Spastic paraplegia 4, autosomal dominant. Identifiers: Orphanet 100985, MedGen C1866855, MONDO:0008438, OMIM 182601.

Allele frequency attached by ClinVar (database versions not stated): gnomAD exomes 0.00001.
gnomAD v4.1: 5 of 1,613,508 alleles (0.00031%); highest among the groups gnomAD compares: Admixed American, 0.0083%; no homozygotes.

Submissions (2):

Labcorp Genetics (formerly Invitae), Labcorp
Classification: Likely benign for Hereditary spastic paraplegia 4. Last evaluated: 2025-10-01. Review status: criteria provided, single submitter. Criteria: Invitae Variant Classification Sherloc (09022015). Collection method: clinical testing. Allele origin: germline.

GeneDx
Classification: Likely benign. Last evaluated: 2016-08-31. Review status: criteria provided, single submitter. Criteria: GeneDx Variant Classification (06012015). Collection method: clinical testing. Allele origin: germline. Affected: yes.
Comment: This variant is considered likely benign or benign based on one or more of the following criteria: it is a conservative change, it occurs at a poorly conserved position in the protein, it is predicted to be benign by multiple in silico algorithms, and/or has population frequency not consistent with disease.

NM_014946.4(SPAST):c.171G>C (p.Leu57=)

Gene: SPAST (spastin; plus strand). Cytogenetic location: 2p22.3.
Variant type: single nucleotide variant.
Coding change: c.171G>C on transcript NM_014946.4 (MANE Select); coding-DNA position 171, G replaced by C.
Protein change: p.Leu57=; no amino-acid change (leucine 57 retained).
Molecular consequence: synonymous variant.
Genome position (GRCh38, 1-based): chr2:32,064,002, G>C. VCF-style: chr2-32064002-G-C. GRCh37 (hg19) VCF-style: chr2-32289071-G-C.
Other names: c.171G>C, p.Leu57= (NM_001363823.2, NM_001363875.2, NM_001377959.1 and 1 more transcripts).
Identifiers: ClinVar variation 388650 (VCV000388650.5), dbSNP rs1057523187, ClinGen allele CA16604471.
Genomic context (GRCh38, chr2:32,064,002, plus strand): 5'-GCCGGCCCCTCCGCCCGAGTCGCCGCATAAGCGGAACCTGTACTATTTCTCCTACCCGCT[G>C]TTTGTAGGCTTCGCGCTGCTGCGTTTGGTCGCCTTCCACCTGGGGCTCCTCTTCGTGTGG-3'
Protein context (NP_055761.2, residues 47-67): KRNLYYFSYP[Leu57=]FVGFALLRLV